The following is an entry in ClinVar:

NM_024685.4(BBS10):c.671G>C (p.Gly224Ala)

Gene: BBS10 (Bardet-Biedl syndrome 10; minus strand). Cytogenetic location: 12q21.2.
Variant type: single nucleotide variant.
Coding change: c.671G>C on transcript NM_024685.4 (MANE Select); coding-DNA position 671, G replaced by C.
Protein change: p.Gly224Ala; replaces glycine 224 with alanine.
Molecular consequence: missense variant.
Genome position (GRCh38, 1-based): chr12:76,347,314, C>G on the plus strand (G>C on the coding strand, the complement: BBS10 is on the minus strand). VCF-style: chr12-76347314-C-G. GRCh37 (hg19) VCF-style: chr12-76741094-C-G.
Other names: c.671G>C (NM_024685.3); short protein forms G224A.
Identifiers: ClinVar variation 1926918 (VCV001926918.3), dbSNP rs779263859, ClinGen allele CA6694303.

ClinVar aggregate classification (germline): Uncertain significance. Review status: criteria provided, multiple submitters, no conflicts (2 of 4 stars). 2 submissions from 2 submitters: Uncertain significance (2). Last evaluated 2025-11-17.

Conditions:
BBS10-related disorder. Also called: BBS10-related condition.
Bardet-Biedl syndrome (BBS). Identifiers: Orphanet 110, MedGen C0752166, MONDO:0015229.

Allele frequency attached by ClinVar (database versions not stated): ExAC 0.00001; gnomAD exomes 0.00001; TOPMed 0.00001.
gnomAD v4.1: 3 of 1,614,008 alleles (0.00019%); highest among the groups gnomAD compares: Non-Finnish European, 0.00025%; no homozygotes.

Submissions (2):

PreventionGenetics, part of Exact Sciences
Classification: Uncertain significance for BBS10-related condition. Last evaluated: 2025-11-17. Review status: criteria provided, single submitter. Criteria: ACMG Guidelines, 2015. Collection method: clinical testing. Allele origin: germline.
Comment: The BBS10 c.671G>C variant is predicted to result in the amino acid substitution p.Gly224Ala. To our knowledge, this variant has not been reported in the literature. This variant is reported in 0.00088% of alleles in individuals of European (Non-Finnish) descent in gnomAD. At this time, the clinical significance of this variant is uncertain due to the absence of conclusive functional and genetic evidence.

Labcorp Genetics (formerly Invitae), Labcorp
Classification: Uncertain significance for Bardet-Biedl syndrome. Last evaluated: 2022-04-25. Review status: criteria provided, single submitter. Criteria: Invitae Variant Classification Sherloc (09022015). Collection method: clinical testing. Allele origin: germline.
Comment: This sequence change replaces glycine, which is neutral and non-polar, with alanine, which is neutral and non-polar, at codon 224 of the BBS10 protein (p.Gly224Ala). This variant is present in population databases (rs779263859, gnomAD 0.0009%). This variant has not been reported in the literature in individuals affected with BBS10-related conditions. Algorithms developed to predict the effect of missense changes on protein structure and function output the following: SIFT: "Tolerated"; PolyPhen-2: "Benign"; Align-GVGD: "Class C0". The alanine amino acid residue is found in multiple mammalian species, which suggests that this missense change does not adversely affect protein function. In summary, the available evidence is currently insufficient to determine the role of this variant in disease. Therefore, it has been classified as a Variant of Uncertain Significance.